The following is an entry in ClinVar:

NM_001130438.3(SPTAN1):c.2720G>T (p.Arg907Leu)

Gene: SPTAN1 (spectrin alpha, non-erythrocytic 1; plus strand). Cytogenetic location: 9q34.11.
Variant type: single nucleotide variant.
Coding change: c.2720G>T on transcript NM_001130438.3 (MANE Select); coding-DNA position 2720, G replaced by T.
Protein change: p.Arg907Leu; replaces arginine 907 with leucine.
Molecular consequence: missense variant.
Genome position (GRCh38, 1-based): chr9:128,585,907, G>T. VCF-style: chr9-128585907-G-T. GRCh37 (hg19) VCF-style: chr9-131348186-G-T.
Other names: c.2720G>T, p.Arg907Leu (NM_001195532.2, NM_001363759.2, NM_001363765.2 and 5 more transcripts); c.2756G>T, p.Arg919Leu (NM_001375312.2, NM_001375318.1); short protein forms R919L, R907L.
Identifiers: ClinVar variation 1433412 (VCV001433412.8), dbSNP rs780303413, ClinGen allele CA5264699.
Genomic context (GRCh38, chr9:128,585,907, plus strand): 5'-AGGACTCTCTGCAGGCCCAGCAGTACTTTGCTGATGCTAACGAGGCTGAATCCTGGATGC[G>T]GGAGAAGGAACCCATTGTGGGCAGCACTGACTATGGCAAGGACGAAGACTCTGCTGAGGT-3'
Protein context (NP_001123910.1, residues 897-917): ADANEAESWM[Arg907Leu]EKEPIVGSTD

ClinVar aggregate classification (germline): Uncertain significance. Review status: criteria provided, multiple submitters, no conflicts (2 of 4 stars). 2 submissions from 2 submitters: Uncertain significance (2). Last evaluated 2024-05-27.

Conditions:
Early-infantile DEE. Also called: Early infantile epileptic encephalopathy with suppression bursts; Early infantile epileptic encephalopathy; Ohtahara syndrome. Identifiers: Orphanet 1934, MedGen C0393706, MONDO:0800491.
Neuronopathy, distal hereditary motor, autosomal dominant 11. Also called: NEUROPATHY, DISTAL HEREDITARY MOTOR, 11. Identifiers: MedGen C5882697, MONDO:0957875, OMIM 620528.
Spastic paraplegia 91, autosomal dominant, with or without cerebellar ataxia (SPG91). Identifiers: MedGen C5882701, MONDO:0957813, OMIM 620538.
Developmental delay with or without epilepsy (DEVEP). Identifiers: MedGen C5882702, MONDO:0957815, OMIM 620540.
Developmental and epileptic encephalopathy, 5 (DEE5). Identifiers: Orphanet 3451, MedGen C3150731, MONDO:0013277, OMIM 613477.

Allele frequency attached by ClinVar (database versions not stated): ExAC 0.00002; gnomAD exomes 0.00002.
gnomAD v4.1: 18 of 1,613,570 alleles (0.0011%); highest among the groups gnomAD compares: Admixed American, 0.0017%; no homozygotes.

Submissions (2):

Fulgent Genetics
Classification: Uncertain significance for Developmental and epileptic encephalopathy, 5; Neuronopathy, distal hereditary motor, autosomal dominant 11; Spastic paraplegia 91, autosomal dominant, with or without cerebellar ataxia; Developmental delay with or without epilepsy. Last evaluated: 2024-05-27. Review status: criteria provided, single submitter. Criteria: ACMG Guidelines, 2015. Collection method: clinical testing. Allele origin: germline.

Labcorp Genetics (formerly Invitae), Labcorp
Classification: Uncertain significance for Early-infantile DEE. Last evaluated: 2022-07-11. Review status: criteria provided, single submitter. Criteria: Invitae Variant Classification Sherloc (09022015). Collection method: clinical testing. Allele origin: germline.
Comment: In summary, the available evidence is currently insufficient to determine the role of this variant in disease. Therefore, it has been classified as a Variant of Uncertain Significance. Algorithms developed to predict the effect of missense changes on protein structure and function are either unavailable or do not agree on the potential impact of this missense change (SIFT: "Deleterious"; PolyPhen-2: "Possibly Damaging"; Align-GVGD: "Class C15"). ClinVar contains an entry for this variant (Variation ID: 1433412). This variant has not been reported in the literature in individuals affected with SPTAN1-related conditions. This variant is present in population databases (rs780303413, gnomAD 0.003%). This sequence change replaces arginine, which is basic and polar, with leucine, which is neutral and non-polar, at codon 907 of the SPTAN1 protein (p.Arg907Leu).